The following is an entry in ClinVar:

ClinVar aggregate classification (germline): Uncertain significance (1 of 4 stars; one submission).

Conditions:
Charcot-Marie-Tooth disease dominant intermediate C (CMTDIC). Also called: CHARCOT-MARIE-TOOTH NEUROPATHY, DOMINANT INTERMEDIATE C. Identifiers: Orphanet 100045, MedGen C1842237, MONDO:0012012, OMIM 608323.

Submission:

Labcorp Genetics (formerly Invitae), Labcorp
Classification: Uncertain significance for Charcot-Marie-Tooth disease dominant intermediate C. Last evaluated: 2021-12-15. Review status: criteria provided, single submitter. Criteria: Invitae Variant Classification Sherloc (09022015). Collection method: clinical testing. Allele origin: germline.
Comment: This variant is not present in population databases (gnomAD no frequency). This sequence change replaces serine, which is neutral and polar, with alanine, which is neutral and non-polar, at codon 444 of the YARS protein (p.Ser444Ala). This variant has not been reported in the literature in individuals affected with YARS-related conditions. In summary, the available evidence is currently insufficient to determine the role of this variant in disease. Therefore, it has been classified as a Variant of Uncertain Significance. Algorithms developed to predict the effect of missense changes on protein structure and function are either unavailable or do not agree on the potential impact of this missense change (SIFT: "Not Available"; PolyPhen-2: "Benign"; Align-GVGD: "Not Available").

NM_003680.4(YARS1):c.1330T>G (p.Ser444Ala)

Gene: YARS1 (tyrosyl-tRNA synthetase 1; minus strand). Cytogenetic location: 1p35.1.
Variant type: single nucleotide variant.
Coding change: c.1330T>G on transcript NM_003680.4 (MANE Select); coding-DNA position 1330, T replaced by G.
Protein change: p.Ser444Ala; replaces serine 444 with alanine.
Molecular consequence: missense variant.
Genome position (GRCh38, 1-based): chr1:32,780,089, A>C on the plus strand (T>G on the coding strand, the complement: YARS1 is on the minus strand). VCF-style: chr1-32780089-A-C. GRCh37 (hg19) VCF-style: chr1-33245690-A-C.
Other names: short protein forms S444A.
Identifiers: ClinVar variation 1681481 (VCV001681481.6), dbSNP rs2148599848, ClinGen allele CA339681106.